The following is an entry in ClinVar:

ClinVar aggregate classification (germline): Uncertain significance. Review status: criteria provided, multiple submitters, no conflicts (2 of 4 stars). 2 submissions from 2 submitters: Uncertain significance (2). Last evaluated 2026-05-23.

Conditions:
Hereditary cancer-predisposing syndrome. Also called: Hereditary neoplastic syndrome; Neoplastic Syndromes, Hereditary; Hereditary Cancer Syndrome; Tumor predisposition. Identifiers: Orphanet 140162, MedGen C0027672, MeSH D009386, MONDO:0015356.
Gastrointestinal stromal tumor. Also called: Gastrointestinal stromal tumor, somatic; Gastrointestinal stroma tumor. Identifiers: Orphanet 44890, MedGen C0238198, MeSH D046152, MONDO:0011719, OMIM 606764, HP:0100723.

Submissions (2):

Ambry Genetics
Classification: Uncertain significance for Hereditary cancer-predisposing syndrome. Last evaluated: 2026-05-23. Review status: criteria provided, single submitter. Criteria: Ambry Variant Classification Scheme 2023. Collection method: clinical testing. Allele origin: germline.
Comment: The p.I527L variant (also known as c.1579A>C), located in coding exon 10 of the KIT gene, results from an A to C substitution at nucleotide position 1579. The isoleucine at codon 527 is replaced by leucine, an amino acid with highly similar properties. This amino acid position is conserved. In addition, the in silico prediction for this alteration is inconclusive. Based on the available evidence, the clinical significance of this variant remains unclear.

Labcorp Genetics (formerly Invitae), Labcorp
Classification: Uncertain significance for Gastrointestinal stromal tumor. Last evaluated: 2020-09-09. Review status: criteria provided, single submitter. Criteria: Invitae Variant Classification Sherloc (09022015). Collection method: clinical testing. Allele origin: germline.
Comment: This sequence change replaces isoleucine with leucine at codon 527 of the KIT protein (p.Ile527Leu). The isoleucine residue is highly conserved and there is a small physicochemical difference between isoleucine and leucine. In summary, the available evidence is currently insufficient to determine the role of this variant in disease. Therefore, it has been classified as a Variant of Uncertain Significance. Algorithms developed to predict the effect of missense changes on protein structure and function are either unavailable or do not agree on the potential impact of this missense change (SIFT: "Deleterious"; PolyPhen-2: "Benign"; Align-GVGD: "Class C0"). This variant has not been reported in the literature in individuals with KIT-related conditions. This variant is not present in population databases (ExAC no frequency).

NM_000222.3(KIT):c.1579A>C (p.Ile527Leu)

Gene: KIT (KIT proto-oncogene, receptor tyrosine kinase; plus strand). Cytogenetic location: 4q12.
Variant type: single nucleotide variant.
Coding change: c.1579A>C on transcript NM_000222.3 (MANE Select); coding-DNA position 1579, A replaced by C.
Protein change: p.Ile527Leu; replaces isoleucine 527 with leucine.
Molecular consequence: missense variant.
Genome position (GRCh38, 1-based): chr4:54,727,256, A>C. VCF-style: chr4-54727256-A-C. GRCh37 (hg19) VCF-style: chr4-55593422-A-C.
Other names: c.1567A>C, p.Ile523Leu (NM_001093772.2, NM_001385286.1); c.1582A>C, p.Ile528Leu (NM_001385284.1, NM_001385290.1); c.1579A>C, p.Ile527Leu (NM_001385285.1); c.1570A>C, p.Ile524Leu (NM_001385288.1, NM_001385292.1); short protein forms I523L, I527L, I524L, I528L.
Identifiers: ClinVar variation 939795 (VCV000939795.11), dbSNP rs1722282395, ClinGen allele CA356906989.
Genomic context (GRCh38, chr4:54,727,256, plus strand): 5'-CCACATTTCTCTTCCATTGTAGAGCAAATCCATCCCCACACCCTGTTCACTCCTTTGCTG[A>C]TTGGTTTCGTAATCGTAGCTGGCATGATGTGCATTATTGTGATGATTCTGACCTACAAAT-3'
Protein context (NP_000213.1, residues 517-537): HPHTLFTPLL[Ile527Leu]GFVIVAGMMC